The following is an entry in ClinVar:

ClinVar aggregate classification (germline): Uncertain significance (1 of 4 stars; one submission).

Submission:

GeneDx
Classification: Uncertain significance. Last evaluated: 2021-01-11. Review status: criteria provided, single submitter. Criteria: GeneDx Variant Classification Process June 2021. Collection method: clinical testing. Allele origin: germline. Affected: yes.
Comment: Not observed in large population cohorts (Lek et al., 2016); In silico analysis supports that this missense variant does not alter protein structure/function; Has not been previously published as pathogenic or benign to our knowledge

NM_001348800.3(ZBTB20):c.646C>T (p.Pro216Ser)

Gene: ZBTB20 (zinc finger and BTB domain containing 20; minus strand). Cytogenetic location: 3q13.31.
Variant type: single nucleotide variant.
Coding change: c.646C>T on transcript NM_001348800.3 (MANE Select); coding-DNA position 646, C replaced by T.
Protein change: p.Pro216Ser; replaces proline 216 with serine.
Molecular consequence: missense variant.
Genome position (GRCh38, 1-based): chr3:114,351,432, G>A on the plus strand (C>T on the coding strand, the complement: ZBTB20 is on the minus strand). VCF-style: chr3-114351432-G-A. GRCh37 (hg19) VCF-style: chr3-114070279-G-A.
Other names: c.646C>T, p.Pro216Ser (NM_001164342.2, NM_001348803.3, NM_001393393.1 and 1 more transcripts); c.427C>T, p.Pro143Ser (NM_001164343.2, NM_001164344.4, NM_001164345.4 and 9 more transcripts); short protein forms P143S, P216S.
Identifiers: ClinVar variation 1314015 (VCV001314015.2), dbSNP rs2108209984, ClinGen allele CA354016138.